The following is an entry in ClinVar:

NM_000051.4(ATM):c.8672-1G>A

Genes: ATM (ATM serine/threonine kinase; plus strand), C11orf65 (chromosome 11 open reading frame 65; minus strand). Cytogenetic location: 11q22.3.
Variant type: single nucleotide variant.
Coding change: c.8672-1G>A on transcript NM_000051.4 (MANE Select); the canonical splice acceptor site of the intron before coding-DNA position 8672, G replaced by A.
Molecular consequence: splice acceptor variant. On other transcripts: intron variant (2).
Genome position (GRCh38, 1-based): chr11:108,353,765, G>A. VCF-style: chr11-108353765-G-A. GRCh37 (hg19) VCF-style: chr11-108224492-G-A.
Other names: c.8672-1G>A (NM_001351834.2); c.640+32155C>T (NM_001330368.2); c.695-18473C>T (NM_001351110.2).
Identifiers: ClinVar variation 944770 (VCV000944770.21), dbSNP rs876660088, ClinGen allele CA382523434.

ClinVar aggregate classification (germline): Likely pathogenic. Review status: criteria provided, multiple submitters, no conflicts (2 of 4 stars). 4 submissions from 4 submitters: Likely pathogenic (3). 1 of the submissions does not count toward it. Last evaluated 2024-11-12.

Conditions:
Hereditary cancer-predisposing syndrome. Also called: Tumor predisposition; Neoplastic Syndromes, Hereditary; Hereditary neoplastic syndrome; Hereditary Cancer Syndrome. Identifiers: Orphanet 140162, MedGen C0027672, MeSH D009386, MONDO:0015356.
Familial cancer of breast. Also called: Hereditary breast cancer; hereditary breast carcinoma; BREAST CANCER, FAMILIAL. Identifiers: Orphanet 227535, MedGen C0346153, MONDO:0016419, OMIM 114480. Disease mechanism: loss of function.
Ataxia-telangiectasia syndrome (AT). Also called: Ataxia-telangiectasia, complementation group D; AT, COMPLEMENTATION GROUP C; ATAXIA-TELANGIECTASIA, COMPLEMENTATION GROUP A; ATAXIA-TELANGIECTASIA, FRESNO VARIANT; Ataxia-telangiectasia; Ataxia telangiectasia (A-T). Identifiers: Orphanet 100, MedGen C0004135, MONDO:0008840, OMIM 208900.

Submissions (4):

Labcorp Genetics (formerly Invitae), Labcorp
Classification: Likely pathogenic for Ataxia-telangiectasia syndrome. Last evaluated: 2024-11-12. Review status: criteria provided, single submitter. Criteria: Invitae Variant Classification Sherloc (09022015). Collection method: clinical testing. Allele origin: germline.
Comment: This sequence change affects an acceptor splice site in intron 59 of the ATM gene. It is expected to disrupt RNA splicing. Variants that disrupt the donor or acceptor splice site typically lead to a loss of protein function (PMID: 16199547), and loss-of-function variants in ATM are known to be pathogenic (PMID: 23807571, 25614872). This variant is not present in population databases (gnomAD no frequency). Disruption of this splice site has been observed in individual(s) with clinical features of ataxia-telangiectasia (PMID: 32818697). ClinVar contains an entry for this variant (Variation ID: 944770). Algorithms developed to predict the effect of sequence changes on RNA splicing suggest that this variant may disrupt the consensus splice site. In summary, the currently available evidence indicates that the variant is pathogenic, but additional data are needed to prove that conclusively. Therefore, this variant has been classified as Likely Pathogenic.

Myriad Genetics, Inc.
Classification: Likely pathogenic for Familial cancer of breast. Last evaluated: 2024-02-05. Review status: criteria provided, single submitter. Criteria: Myriad Autosomal Dominant, Autosomal Recessive and X-Linked Classification Criteria (2023). Collection method: clinical testing. Allele origin: unknown.
Comment: This variant is considered likely pathogenic. This variant occurs within a consensus splice junction and is predicted to result in abnormal mRNA splicing of either an out-of-frame exon or an in-frame exon necessary for protein stability and/or normal function.

Ambry Genetics
Classification: Likely pathogenic for Hereditary cancer-predisposing syndrome. Last evaluated: 2023-07-31. Review status: criteria provided, single submitter. Criteria: Ambry Variant Classification Scheme 2023. Collection method: clinical testing. Allele origin: germline.
Comment: The c.8672-1G>A intronic variant results from a G to A substitution one nucleotide before coding exon 59 of the ATM gene. This nucleotide position is highly conserved in available vertebrate species. In silico splice site analysis predicts that this alteration will weaken the native splice acceptor site and will result in the creation or strengthening of a novel splice acceptor site; however, direct evidence is insufficient at this time (Ambry internal data). This variant is considered to be rare based on population cohorts in the Genome Aggregation Database (gnomAD). Alterations that disrupt the canonical splice site are expected to cause aberrant splicing, resulting in an abnormal protein or a transcript that is subject to nonsense-mediated mRNA decay. As such, this alteration is classified as likely pathogenic.

Natera, Inc.
Classification: Likely pathogenic for Ataxia-telangiectasia. Last evaluated: 2021-05-31. Review status: no assertion criteria provided. Collection method: clinical testing. Allele origin: germline. Not counted in ClinVar's aggregate classification.

Literature cited by the submitters: PubMed 16199547 (cited by Labcorp Genetics (formerly Invitae), Labcorp); PubMed 23807571 (cited by Labcorp Genetics (formerly Invitae), Labcorp); PubMed 25614872 (cited by Labcorp Genetics (formerly Invitae), Labcorp); PubMed 32818697 (cited by Labcorp Genetics (formerly Invitae), Labcorp).